The following is an entry in ClinVar:

NM_000268.4(NF2):c.1737G>A (p.Lys579=)

Gene: NF2 (NF2, moesin-ezrin-radixin like (MERLIN) tumor suppressor; plus strand). Cytogenetic location: 22q12.2.
Variant type: single nucleotide variant.
Coding change: c.1737G>A on transcript NM_000268.4 (MANE Select); coding-DNA position 1737, G replaced by A.
Protein change: p.Lys579=; no amino-acid change (lysine 579 retained).
Molecular consequence: synonymous variant. On other transcripts: non-coding transcript variant (1), intron variant (1).
Genome position (GRCh38, 1-based): chr22:29,681,601, G>A. VCF-style: chr22-29681601-G-A. GRCh37 (hg19) VCF-style: chr22-30077590-G-A.
Other names: c.1737G>A, p.Lys579= (NM_016418.5, NM_181825.3, NM_181832.3); c.1611G>A, p.Lys537= (NM_181828.3); c.1614G>A, p.Lys538= (NM_181829.3); c.1488G>A, p.Lys496= (NM_181830.3, NM_181831.3); c.448-13151G>A (NM_181833.3).
Identifiers: ClinVar variation 571792 (VCV000571792.10), dbSNP rs1569312133, ClinGen allele CA514190661.

ClinVar aggregate classification (germline): Conflicting classifications of pathogenicity. Review status: criteria provided, conflicting classifications (1 of 4 stars). 2 submissions from 2 submitters: Likely pathogenic (1); Uncertain significance (1). Last evaluated 2025-11-10.

Conditions:
Hereditary cancer-predisposing syndrome. Also called: Tumor predisposition; Neoplastic Syndromes, Hereditary; Hereditary neoplastic syndrome; Hereditary Cancer Syndrome. Identifiers: Orphanet 140162, MedGen C0027672, MeSH D009386, MONDO:0015356.
Neurofibromatosis, type 2 (SWNV). Also called: NF2-Related Schwannomatosis; BILATERAL ACOUSTIC NEUROFIBROMATOSIS; SCHWANNOMATOSIS, VESTIBULAR. Identifiers: Orphanet 637, MedGen C0027832, MONDO:0007039, OMIM 101000. Disease mechanism: loss of function.

Allele frequency attached by ClinVar (database versions not stated): gnomAD exomes below 0.00001.
gnomAD v4.1: 1 of 1,613,894 alleles (0.000062%); highest among the groups gnomAD compares: Non-Finnish European, 0.000085%; no homozygotes.

Submissions (2):

Ambry Genetics
Classification: Likely pathogenic for Hereditary cancer-predisposing syndrome. Last evaluated: 2025-11-10. Review status: criteria provided, single submitter. Criteria: Ambry Variant Classification Scheme 2023. Collection method: clinical testing. Allele origin: germline.
Comment: The c.1737G>A variant (also known as p.K579K), located in coding exon 15 of the NF2 gene, results from a G to A substitution at nucleotide position 1737. This nucleotide substitution does not change the at codon 579. However, this change occurs in the last base pair of coding exon 15, which makes it likely to have some effect on normal mRNA splicing. This nucleotide position is highly conserved in available vertebrate species. In silico splice site analysis predicts that this alteration will weaken the native splice donor site; however, direct evidence is insufficient at this time (Ambry internal data). Other variant(s) impacting the same donor site (c.1737+1G>T,c.1737+2T>C) have been shown to have a similar impact on splicing in individuals with features consistent with NF2-related schwannomatosis (Ambry internal data). Based on the majority of available evidence to date, this variant is likely to be pathogenic.

Labcorp Genetics (formerly Invitae), Labcorp
Classification: Uncertain significance for Neurofibromatosis, type 2. Last evaluated: 2018-06-19. Review status: criteria provided, single submitter. Criteria: Invitae Variant Classification Sherloc (09022015). Collection method: clinical testing. Allele origin: germline.
Comment: In summary, the available evidence is currently insufficient to determine the role of this variant in disease. Therefore, it has been classified as a Variant of Uncertain Significance. Nucleotide substitutions within the consensus splice site are a relatively common cause of aberrant splicing (PMID: 17576681, 9536098). Algorithms developed to predict the effect of sequence changes on RNA splicing suggest that this variant may disrupt the consensus splice site, but this prediction has not been confirmed by published transcriptional studies. This variant has been observed in an individual affected with neurofibromatosis type 2 (PMID: 18033041). This variant is not present in population databases (ExAC no frequency). This sequence change affects codon 579 of the NF2 mRNA. It is a 'silent' change, meaning that it does not change the encoded amino acid sequence of the NF2 protein. This variant also falls at the last nucleotide of exon 15 of the NF2 coding sequence, which is part of the consensus splice site for this exon.

Literature cited by the submitters: PubMed 17576681 (cited by Labcorp Genetics (formerly Invitae), Labcorp); PubMed 9536098 (cited by Labcorp Genetics (formerly Invitae), Labcorp); PubMed 18033041 (cited by Labcorp Genetics (formerly Invitae), Labcorp).